The following is an entry in ClinVar:

NM_000414.4(HSD17B4):c.330G>A (p.Arg110=)

Gene: HSD17B4 (hydroxysteroid 17-beta dehydrogenase 4; plus strand). Cytogenetic location: 5q23.1.
Variant type: single nucleotide variant.
Coding change: c.330G>A on transcript NM_000414.4 (MANE Select); coding-DNA position 330, G replaced by A.
Protein change: p.Arg110=; no amino-acid change (arginine 110 retained).
Molecular consequence: synonymous variant. On other transcripts: 5 prime UTR variant (5), non-coding transcript variant (2), intron variant (1).
Genome position (GRCh38, 1-based): chr5:119,475,851, G>A. VCF-style: chr5-119475851-G-A. GRCh37 (hg19) VCF-style: chr5-118811546-G-A.
Other names: c.405G>A, p.Arg135= (NM_001199291.3); c.276G>A, p.Arg92= (NM_001199292.2); c.258G>A, p.Arg86= (NM_001292027.2); c.-82G>A (NM_001292028.2, NM_001374501.1, NM_001374502.1 and 1 more transcripts); c.330G>A, p.Arg110= (NM_001374497.1, NM_001374498.1); c.-209G>A (NM_001374500.1); c.22+124G>A (NM_001374499.1); c.330G>A (NM_000414.3).
Identifiers: ClinVar variation 1139346 (VCV001139346.11), dbSNP rs181010091, ClinGen allele CA3381789.
Genomic context (GRCh38, chr5:119,475,851, plus strand): 5'-CTCCTTTTACCCTATACAACATTGATTTTTTAGAATTCTGAGGGATCGTTCCTTTGCTAG[G>A]ATAAGTGATGAAGACTGGGGTAAGTTGTTTTTAGTATTTCTCTGGGGAACATACTTATCC-3'
Protein context (NP_000405.1, residues 100-120): AGILRDRSFA[Arg110=]ISDEDWDIIH

ClinVar aggregate classification (germline): Likely benign. Review status: criteria provided, single submitter (1 of 4 stars). 2 submissions from 2 submitters: Likely benign (1). 1 of the submissions does not count toward it. Last evaluated 2026-01-12.

Conditions:
HSD17B4-related disorder. Also called: HSD17B4-related disorders; HSD17B4-related condition.
Bifunctional peroxisomal enzyme deficiency (DBIF). Also called: PBFE DEFICIENCY; D-bifunctional protein deficiency; DBP DEFICIENCY. Identifiers: Orphanet 300, MedGen C0342870, MONDO:0009855, OMIM 261515. Disease mechanism: loss of function.
Perrault syndrome. Also called: Gonadal dysgenesis with auditory dysfunction, autosomal recessive inheritance. Identifiers: Orphanet 2855, MedGen C0685838, MONDO:0017312.

Allele frequency attached by ClinVar (database versions not stated): gnomAD exomes 0.00001 and 0.00004; ExAC 0.00003; gnomAD 0.00009 and 0.00010; TOPMed 0.00012; ESP Exome Variant Server 0.00015; 1000 Genomes Project 30x 0.00031.
gnomAD v4.1: 29 of 1,598,404 alleles (0.0018%); highest among the groups gnomAD compares: African/African-American, 0.035%; no homozygotes.

Submissions (2):

Labcorp Genetics (formerly Invitae), Labcorp
Classification: Likely benign for Perrault syndrome; Bifunctional peroxisomal enzyme deficiency. Last evaluated: 2026-01-12. Review status: criteria provided, single submitter. Criteria: Invitae Variant Classification Sherloc (09022015). Collection method: clinical testing. Allele origin: germline.

PreventionGenetics, part of Exact Sciences
Classification: Likely benign for HSD17B4-related condition. Last evaluated: 2019-09-11. Review status: no assertion criteria provided. Collection method: clinical testing. Allele origin: germline. Not counted in ClinVar's aggregate classification.
Comment: This variant is classified as likely benign based on ACMG/AMP sequence variant interpretation guidelines (Richards et al. 2015 PMID: 25741868, with internal and published modifications).